The following is an entry in ClinVar:

ClinVar aggregate classification (germline): Uncertain significance. Review status: criteria provided, single submitter (1 of 4 stars). 2 submissions from 2 submitters: Uncertain significance (1). 1 of the submissions does not count toward it. Last evaluated 2020-02-05.

Conditions:
Polycystic kidney disease, adult type (PKD1). Also called: POLYCYSTIC KIDNEY DISEASE 1 WITH OR WITHOUT POLYCYSTIC LIVER DISEASE; Polycystic Kidney Disease 1, Autosomal Dominant; Polycystic kidney disease 1; Polycystic kidney disease 1, severe; Polycystic Kidney, Autosomal Dominant; POLYCYSTIC KIDNEY DISEASE, ADULT, TYPE I. Identifiers: MedGen C3149841, MONDO:0008263, OMIM 173900.
PKD1-related disorder. Also called: PKD1-related condition.

Submissions (2):

Cavalleri Lab, Royal College of Surgeons in Ireland
Classification: Uncertain significance for Polycystic kidney disease, adult type. Last evaluated: 2020-02-05. Review status: criteria provided, single submitter. Criteria: ACMG Guidelines, 2015. Collection method: research. Allele origin: unknown. Inheritance: Autosomal dominant inheritance. Affected: yes.
Comment: PM2, PP3, PP4

PreventionGenetics, part of Exact Sciences
Classification: Likely pathogenic for PKD1-related condition. Last evaluated: 2024-01-19. Review status: no assertion criteria provided. Collection method: clinical testing. Allele origin: germline. Not counted in ClinVar's aggregate classification.
Comment: The PKD1 c.1385G>A variant is predicted to result in the amino acid substitution p.Arg462Lys. This variant has been reported in an individual with polycystic kidney disease (Supplementary Table 3 of Benson et al. 2021. PubMed ID: 33454723). Of note, a different substitution at the same nucleotide (and the same codon), defined as c.1385G>T (p.Arg462Met), has been reported to be segregated with autosomal dominant polycystic kidney disease (ADPKD) in a family and classified as likely pathogenic (He et al. 2018. PubMed ID: 30333007). In addition, since c.1385G>A and c.1385G>T occur at the last base of exon 6 of PKD1, both are predicted to significantly weaken the normal splicing donor site signal (SpliceAI and Alamut Visual Plus v1.6.1). These variants have not been reported in a large population database, indicating these variants are rare. In summary, the c.1385G>A (p.Arg462Lys) variant is interpreted as likely pathogenic.

NM_001009944.3(PKD1):c.1385G>A (p.Arg462Lys)

Gene: PKD1 (polycystin 1, transient receptor potential channel interacting; minus strand). Cytogenetic location: 16p13.3.
Variant type: single nucleotide variant.
Coding change: c.1385G>A on transcript NM_001009944.3 (MANE Select); coding-DNA position 1385, G replaced by A.
Protein change: p.Arg462Lys; replaces arginine 462 with lysine.
Molecular consequence: missense variant.
Genome position (GRCh38, 1-based): chr16:2,117,489, C>T on the plus strand (G>A on the coding strand, the complement: PKD1 is on the minus strand). VCF-style: chr16-2117489-C-T. GRCh37 (hg19) VCF-style: chr16-2167490-C-T.
Other names: c.1385G>A, p.Arg462Lys (NM_000296.4); c.1385G>A (NM_001009944.2); short protein forms R462K.
Identifiers: ClinVar variation 873341 (VCV000873341.3), dbSNP rs2092659023, ClinGen allele CA394392344.